The following is an entry in ClinVar:

NM_000256.3(MYBPC3):c.317C>G (p.Pro106Arg)

Gene: MYBPC3 (myosin binding protein C3; minus strand). Cytogenetic location: 11p11.2.
Variant type: single nucleotide variant.
Coding change: c.317C>G on transcript NM_000256.3 (MANE Select); coding-DNA position 317, C replaced by G.
Protein change: p.Pro106Arg; replaces proline 106 with arginine.
Molecular consequence: missense variant.
Genome position (GRCh38, 1-based): chr11:47,350,591, G>C on the plus strand (C>G on the coding strand, the complement: MYBPC3 is on the minus strand). VCF-style: chr11-47350591-G-C. GRCh37 (hg19) VCF-style: chr11-47372142-G-C.
Other names: c.317C>G, p.Pro106Arg (LRG_386t1); short protein forms P106R.
Identifiers: ClinVar variation 520449 (VCV000520449.9), dbSNP rs986848670, ClinGen allele CA221707895.

ClinVar aggregate classification (germline): Uncertain significance. Review status: criteria provided, multiple submitters, no conflicts (2 of 4 stars). 4 submissions from 4 submitters: Uncertain significance (4). Last evaluated 2024-04-27.

Conditions:
Cardiovascular phenotype. Identifiers: MedGen CN230736.
Cardiomyopathy (CMYO). Also called: Cardiomyopathies. Identifiers: Orphanet 167848, MedGen C0878544, MONDO:0004994, HP:0001638. Inheritance: Various modes of inheritance.
Primary familial hypertrophic cardiomyopathy (HCM). Identifiers: Orphanet 99739, MedGen C0949658, MeSH D024741, MONDO:0024573. Inheritance: Various modes of inheritance.

Allele frequency attached by ClinVar (database versions not stated): gnomAD 0.00001; gnomAD exomes 0.00001; TOPMed 0.00001.
gnomAD v4.1: 9 of 1,519,206 alleles (0.00059%); highest among the groups gnomAD compares: South Asian, 0.0013%; no homozygotes.

Submissions (4):

Ambry Genetics
Classification: Uncertain significance for Cardiovascular phenotype. Last evaluated: 2024-04-27. Review status: criteria provided, single submitter. Criteria: Ambry Variant Classification Scheme 2023. Collection method: clinical testing. Allele origin: germline.
Comment: The p.P106R variant (also known as c.317C>G), located in coding exon 3 of the MYBPC3 gene, results from a C to G substitution at nucleotide position 317. The proline at codon 106 is replaced by arginine, an amino acid with dissimilar properties. This amino acid position is conserved. In addition, this alteration is predicted to be tolerated by in silico analysis. Based on the available evidence, the clinical significance of this variant remains unclear.

Color Diagnostics, LLC DBA Color Health
Classification: Uncertain significance for Cardiomyopathy. Last evaluated: 2023-12-05. Review status: criteria provided, single submitter. Criteria: ACMG Guidelines, 2015. Collection method: clinical testing. Allele origin: germline.
Comment: Variant of Uncertain Significance due to insufficient evidence: This missense variant replaces proline with arginine at codon 106 of the MYBPC3 protein. Computational prediction tools and conservation analyses are inconclusive regarding the impact of this variant on the protein function. Computational splicing tools suggest that this variant may not impact RNA splicing. To our knowledge, functional assays have not been performed for this variant nor has this variant been reported in individuals affected with cardiovascular disorders in the literature. This variant has been identified in 1/31354 chromosomes in the general population by the Genome Aggregation Database (gnomAD). Available evidence is insufficient to determine the role of this variant in disease conclusively.

Blueprint Genetics
Classification: Uncertain significance. Last evaluated: 2023-06-05. Review status: criteria provided, single submitter. Criteria: ACMG Guidelines, 2015. Collection method: clinical testing. Allele origin: germline.

Molecular Diagnostic Laboratory for Inherited Cardiovascular Disease, Montreal Heart Institute
Classification: Uncertain significance for Primary familial hypertrophic cardiomyopathy. Last evaluated: 2017-07-11. Review status: criteria provided, single submitter. Criteria: ACMG Guidelines, 2015. Collection method: clinical testing. Allele origin: germline. Affected: yes.